The following is an entry in ClinVar:

ClinVar aggregate classification (germline): Uncertain significance (1 of 4 stars; one submission).

Conditions:
Episodic ataxia type 2 (EA2). Also called: ATAXIA, EPISODIC, WITH NYSTAGMUS; ATAXIA, FAMILIAL PAROXYSMAL; ACETAZOLAMIDE-RESPONSIVE HEREDITARY PAROXYSMAL CEREBELLAR ATAXIA; CEREBELLAR ATAXIA, PAROXYSMAL, ACETAZOLAMIDE-RESPONSIVE; CEREBELLOPATHY, HEREDITARY PAROXYSMAL; EPISODIC ATAXIA, NYSTAGMUS-ASSOCIATED. Identifiers: Orphanet 97, MedGen C1720416, MONDO:0007163, OMIM 108500.
Developmental and epileptic encephalopathy, 42 (DEE42A). Also called: Epileptic encephalopathy, early infantile, 42; DEVELOPMENTAL AND EPILEPTIC ENCEPHALOPATHY 42A; EPILEPTIC ENCEPHALOPATHY, EARLY INFANTILE, 42A. Identifiers: MedGen C4310716, MONDO:0014917, OMIM 617106.

Submission:

Labcorp Genetics (formerly Invitae), Labcorp
Classification: Uncertain significance for Developmental and epileptic encephalopathy, 42; Episodic ataxia type 2. Last evaluated: 2024-05-29. Review status: criteria provided, single submitter. Criteria: Invitae Variant Classification Sherloc (09022015). Collection method: clinical testing. Allele origin: germline.
Comment: This sequence change replaces methionine, which is neutral and non-polar, with valine, which is neutral and non-polar, at codon 1991 of the CACNA1A protein (p.Met1991Val). This variant is not present in population databases (gnomAD no frequency). This variant has not been reported in the literature in individuals affected with CACNA1A-related conditions. Advanced modeling of protein sequence and biophysical properties (such as structural, functional, and spatial information, amino acid conservation, physicochemical variation, residue mobility, and thermodynamic stability) performed at Invitae indicates that this missense variant is not expected to disrupt CACNA1A protein function with a negative predictive value of 95%. In summary, the available evidence is currently insufficient to determine the role of this variant in disease. Therefore, it has been classified as a Variant of Uncertain Significance.

NM_001127222.2(CACNA1A):c.5968A>G (p.Met1990Val)

Gene: CACNA1A (calcium voltage-gated channel subunit alpha1 A; minus strand). Cytogenetic location: 19p13.13.
Variant type: single nucleotide variant.
Coding change: c.5968A>G on transcript NM_001127222.2 (MANE Select); coding-DNA position 5968, A replaced by G.
Protein change: p.Met1990Val; replaces methionine 1990 with valine.
Molecular consequence: missense variant.
Genome position (GRCh38, 1-based): chr19:13,212,713, T>C on the plus strand (A>G on the coding strand, the complement: CACNA1A is on the minus strand). VCF-style: chr19-13212713-T-C. GRCh37 (hg19) VCF-style: chr19-13323527-T-C.
Other names: c.5986A>G, p.Met1996Val (NM_000068.4, NM_023035.3); c.5971A>G, p.Met1991Val (NM_001127221.2); c.5977A>G, p.Met1993Val (NM_001174080.2); short protein forms M1990V, M1991V, M1993V, M1996V.
Identifiers: ClinVar variation 3754147 (VCV003754147.2).